The following is an entry in ClinVar:

ClinVar aggregate classification (germline): Uncertain significance (1 of 4 stars; one submission).

Conditions:
Deficiency of aromatic-L-amino-acid decarboxylase. Also called: Aromatic L-Amino Acid Decarboxylase Deficiency; AADC DEFICIENCY; DDC DEFICIENCY; DOPA DECARBOXYLASE DEFICIENCY; Aromatic amino acid decarboxylase deficiency. Identifiers: Orphanet 35708, MedGen C1291564, MONDO:0012084, OMIM 608643.

Allele frequency attached by ClinVar (database versions not stated): TOPMed below 0.00001.

Submission:

Labcorp Genetics (formerly Invitae), Labcorp
Classification: Uncertain significance for Deficiency of aromatic-L-amino-acid decarboxylase. Last evaluated: 2022-07-18. Review status: criteria provided, single submitter. Criteria: Invitae Variant Classification Sherloc (09022015). Collection method: clinical testing. Allele origin: germline.
Comment: In summary, the available evidence is currently insufficient to determine the role of this variant in disease. Therefore, it has been classified as a Variant of Uncertain Significance. Algorithms developed to predict the effect of missense changes on protein structure and function (SIFT, PolyPhen-2, Align-GVGD) all suggest that this variant is likely to be tolerated. ClinVar contains an entry for this variant (Variation ID: 1477006). This variant has not been reported in the literature in individuals affected with DDC-related conditions. This variant is not present in population databases (gnomAD no frequency). This sequence change replaces alanine, which is neutral and non-polar, with valine, which is neutral and non-polar, at codon 216 of the DDC protein (p.Ala216Val).

NM_001082971.2(DDC):c.647C>T (p.Ala216Val)

Gene: DDC (dopa decarboxylase; minus strand). Cytogenetic location: 7p12.1.
Variant type: single nucleotide variant.
Coding change: c.647C>T on transcript NM_001082971.2 (MANE Select); coding-DNA position 647, C replaced by T.
Protein change: p.Ala216Val; replaces alanine 216 with valine.
Molecular consequence: missense variant. On other transcripts: intron variant (2).
Genome position (GRCh38, 1-based): chr7:50,528,204, G>A on the plus strand (C>T on the coding strand, the complement: DDC is on the minus strand). VCF-style: chr7-50528204-G-A. GRCh37 (hg19) VCF-style: chr7-50595902-G-A.
Other names: c.647C>T, p.Ala216Val (NM_000790.4, NM_001242890.2); c.533C>T, p.Ala178Val (NM_001242886.2); c.413C>T, p.Ala138Val (NM_001242888.2); c.435+9656C>T (NM_001242889.2); c.570+1004C>T (NM_001242887.2); short protein forms A138V, A178V, A216V.
Identifiers: ClinVar variation 1477006 (VCV001477006.6), dbSNP rs2044095507, ClinGen allele CA367525916.
Genomic context (GRCh38, chr7:50,528,204, plus strand): 5'-GGAATCAGGCCAGCCGCTTTGTCTCTCTCCAGGGCTTCCTGCAGGGCAGACGCACGCATG[G>A]CGAAGTTGCCATCTGAGGGGATGGCTTTTAATTTCACTCCACCAATTAACCCAGCTCTTT-3'
Protein context (NP_001076440.2, residues 206-226): LKAIPSDGNF[Ala216Val]MRASALQEAL